The following is an entry in ClinVar:

NM_001377.3(DYNC2H1):c.1489G>A (p.Asp497Asn)

Gene: DYNC2H1 (dynein cytoplasmic 2 heavy chain 1; plus strand). Cytogenetic location: 11q22.3.
Variant type: single nucleotide variant.
Coding change: c.1489G>A on transcript NM_001377.3 (MANE Select); coding-DNA position 1489, G replaced by A.
Protein change: p.Asp497Asn; replaces aspartic acid 497 with asparagine.
Molecular consequence: missense variant.
Genome position (GRCh38, 1-based): chr11:103,122,828, G>A. VCF-style: chr11-103122828-G-A. GRCh37 (hg19) VCF-style: chr11-102993557-G-A.
Other names: c.1489G>A, p.Asp497Asn (NM_001080463.2); c.1489G>A (NM_001080463.1); short protein forms D497N.
Identifiers: ClinVar variation 2143921 (VCV002143921.4), dbSNP rs775811738, ClinGen allele CA6252803.

ClinVar aggregate classification (germline): Conflicting classifications of pathogenicity. Review status: criteria provided, conflicting classifications (1 of 4 stars). 4 submissions from 4 submitters: Uncertain significance (3); Likely benign (1). Last evaluated 2025-07-22.

Conditions:
DYNC2H1-related disorder. Also called: DYNC2H1-related condition; DYNC2H1-related disorders. Identifiers: MedGen CN378770.
Jeune thoracic dystrophy. Also called: Short-rib thoracic dysplasia; Jeune syndrome; Infantile thoracic dystrophy; Thoracic pelvic phalangeal dystrophy; Jeune's syndrome; Chondroectodermal dysplasia-like syndrome. Identifiers: Orphanet 474, MedGen C0265275, MONDO:0018770.
Inborn genetic diseases. Identifiers: MedGen C0950123, MeSH D030342.

Allele frequency attached by ClinVar (database versions not stated): ExAC 0.00006; gnomAD 0.00013.
gnomAD v4.1: 39 of 1,611,728 alleles (0.0024%); highest among the groups gnomAD compares: African/African-American, 0.043%; no homozygotes.

Submissions (4):

PreventionGenetics, part of Exact Sciences
Classification: Uncertain significance for DYNC2H1-related condition. Last evaluated: 2025-07-22. Review status: criteria provided, single submitter. Criteria: ACMG Guidelines, 2015. Collection method: clinical testing. Allele origin: germline.
Comment: The DYNC2H1 c.1489G>A variant is predicted to result in the amino acid substitution p.Asp497Asn. To our knowledge, this variant has not been reported in the literature. This variant is reported in 0.054% of alleles in individuals of African descent in gnomAD. Although we suspect that this variant may be benign, at this time, the clinical significance of this variant is uncertain due to the absence of conclusive functional and genetic evidence.

Blueprint Genetics
Classification: Likely benign. Last evaluated: 2024-07-05. Review status: criteria provided, single submitter. Criteria: ACMG Guidelines, 2015. Collection method: clinical testing. Allele origin: germline.

Labcorp Genetics (formerly Invitae), Labcorp
Classification: Uncertain significance for Jeune thoracic dystrophy. Last evaluated: 2022-04-12. Review status: criteria provided, single submitter. Criteria: Invitae Variant Classification Sherloc (09022015). Collection method: clinical testing. Allele origin: germline.
Comment: This sequence change replaces aspartic acid, which is acidic and polar, with asparagine, which is neutral and polar, at codon 497 of the DYNC2H1 protein (p.Asp497Asn). This variant is present in population databases (rs775811738, gnomAD 0.05%). This variant has not been reported in the literature in individuals affected with DYNC2H1-related conditions. Advanced modeling of protein sequence and biophysical properties (such as structural, functional, and spatial information, amino acid conservation, physicochemical variation, residue mobility, and thermodynamic stability) performed at Invitae indicates that this missense variant is not expected to disrupt DYNC2H1 protein function. Algorithms developed to predict the effect of sequence changes on RNA splicing suggest that this variant may disrupt the consensus splice site. In summary, the available evidence is currently insufficient to determine the role of this variant in disease. Therefore, it has been classified as a Variant of Uncertain Significance.

Ambry Genetics
Classification: Uncertain significance for Inborn genetic diseases. Last evaluated: 2021-08-13. Review status: criteria provided, single submitter. Criteria: Ambry Variant Classification Scheme 2023. Collection method: clinical testing. Allele origin: germline.